The following is an entry in ClinVar:

NM_001037.5(SCN1B):c.208-14C>T

Gene: SCN1B (sodium voltage-gated channel beta subunit 1; plus strand). Cytogenetic location: 19q13.11.
Variant type: single nucleotide variant.
Coding change: c.208-14C>T on transcript NM_001037.5 (MANE Select); 14 bases into the intron before coding-DNA position 208, C replaced by T.
Molecular consequence: intron variant.
Genome position (GRCh38, 1-based): chr19:35,033,485, C>T. VCF-style: chr19-35033485-C-T. GRCh37 (hg19) VCF-style: chr19-35524389-C-T.
Other names: c.208-14C>T (NM_199037.5); c.109-14C>T (NM_001321605.2).
Identifiers: ClinVar variation 138991 (VCV000138991.8), dbSNP rs72550272, ClinGen allele CA293206.

ClinVar aggregate classification (germline): Benign/Likely benign. Review status: criteria provided, multiple submitters, no conflicts (2 of 4 stars). 2 submissions from 2 submitters: Benign (1); Likely benign (1). Last evaluated 2024-05-16.

Conditions:
Brugada syndrome 5 (BRGDA5). Identifiers: Orphanet 130, Orphanet 871, MedGen C2748541, MONDO:0013015, OMIM 612838.

Allele frequency attached by ClinVar (database versions not stated): gnomAD exomes below 0.00001; TOPMed 0.00002; gnomAD 0.00003 and 0.00004.

Submissions (2):

Labcorp Genetics (formerly Invitae), Labcorp
Classification: Likely benign for Brugada syndrome 5. Last evaluated: 2024-05-16. Review status: criteria provided, single submitter. Criteria: Invitae Variant Classification Sherloc (09022015). Collection method: clinical testing. Allele origin: germline.

GeneDx
Classification: Benign. Last evaluated: 2014-04-24. Review status: criteria provided, single submitter. Criteria: GeneDx Variant Classification (06012015). Collection method: clinical testing. Allele origin: germline. Affected: yes.
Comment: This variant is considered likely benign or benign based on one or more of the following criteria: it is a conservative change, it occurs at a poorly conserved position in the protein, it is predicted to be benign by multiple in silico algorithms, and/or has population frequency not consistent with disease.